The following is an entry in ClinVar:

NM_000264.5(PTCH1):c.1555G>T (p.Ala519Ser)

Gene: PTCH1 (patched 1; minus strand). Cytogenetic location: 9q22.32.
Variant type: single nucleotide variant.
Coding change: c.1555G>T on transcript NM_000264.5 (MANE Select); coding-DNA position 1555, G replaced by T.
Protein change: p.Ala519Ser; replaces alanine 519 with serine.
Molecular consequence: missense variant. On other transcripts: non-coding transcript variant (1).
Genome position (GRCh38, 1-based): chr9:95,476,806, C>A on the plus strand (G>T on the coding strand, the complement: PTCH1 is on the minus strand). VCF-style: chr9-95476806-C-A. GRCh37 (hg19) VCF-style: chr9-98239088-C-A.
Other names: NC_000009.11:g.98239088C>A; c.1357G>T, p.Ala453Ser (NM_001083602.3); c.1552G>T, p.Ala518Ser (NM_001083603.3); c.1102G>T, p.Ala368Ser (NM_001083604.3, NM_001083605.3, NM_001083606.3 and 1 more transcripts); c.1399G>T, p.Ala467Ser (NM_001354918.2); short protein forms A467S, A453S, A518S, A368S, A519S.
Identifiers: ClinVar variation 2560638 (VCV002560638.3), dbSNP rs2118282624, ClinGen allele CA374118249.

ClinVar aggregate classification (germline): Uncertain significance (1 of 4 stars; one submission).

Conditions:
Hereditary cancer-predisposing syndrome. Also called: Neoplastic Syndromes, Hereditary; Hereditary Cancer Syndrome; Hereditary neoplastic syndrome; Tumor predisposition. Identifiers: Orphanet 140162, MedGen C0027672, MeSH D009386, MONDO:0015356.

Allele frequency attached by ClinVar (database versions not stated): gnomAD exomes below 0.00001.
gnomAD v4.1: 1 of 1,614,028 alleles (0.000062%); highest among the groups gnomAD compares: Non-Finnish European, 0.000085%; no homozygotes.

Submissions (2):

Ambry Genetics
Classification: Uncertain significance for Hereditary cancer-predisposing syndrome. Last evaluated: 2023-06-10. Review status: criteria provided, single submitter. Criteria: Ambry Variant Classification Scheme 2023. Collection method: clinical testing. Allele origin: germline.
Comment: The p.A519S variant (also known as c.1555G>T), located in coding exon 11 of the PTCH1 gene, results from a G to T substitution at nucleotide position 1555. The alanine at codon 519 is replaced by serine, an amino acid with similar properties. This amino acid position is conserved. In addition, this alteration is predicted to be deleterious by in silico analysis. Since supporting evidence is limited at this time, the clinical significance of this alteration remains unclear.

Dr. Peter K. Rogan Lab, Western University
No classification provided (evidence only). Condition: Ovarian serous cystadenocarcinoma. Review status: no classification provided. Collection method: in vitro. Allele origin: not applicable. Functional consequence: retained intron. Not counted in ClinVar's aggregate classification.